The following is an entry in ClinVar:

NM_001378454.1(ALMS1):c.11665G>A (p.Ala3889Thr)

Gene: ALMS1 (ALMS1 centrosome and basal body associated protein; plus strand). Cytogenetic location: 2p13.1.
Variant type: single nucleotide variant.
Coding change: c.11665G>A on transcript NM_001378454.1 (MANE Select); coding-DNA position 11665, G replaced by A.
Protein change: p.Ala3889Thr; replaces alanine 3889 with threonine.
Molecular consequence: missense variant.
Genome position (GRCh38, 1-based): chr2:73,599,518, G>A. VCF-style: chr2-73599518-G-A. GRCh37 (hg19) VCF-style: chr2-73826645-G-A.
Other names: c.11668G>A, p.Ala3890Thr (NM_015120.4); short protein forms A3889T, A3890T.
Identifiers: ClinVar variation 2714409 (VCV002714409.3), dbSNP rs2466516505, ClinGen allele CA347263201.

ClinVar aggregate classification (germline): Uncertain significance (1 of 4 stars; one submission).

Conditions:
Alstrom syndrome (ALMS). Identifiers: Orphanet 64, MedGen C0268425, MONDO:0008763, OMIM 203800.

Submission:

Labcorp Genetics (formerly Invitae), Labcorp
Classification: Uncertain significance for Alstrom syndrome. Last evaluated: 2023-11-24. Review status: criteria provided, single submitter. Criteria: Invitae Variant Classification Sherloc (09022015). Collection method: clinical testing. Allele origin: germline.
Comment: This sequence change replaces alanine, which is neutral and non-polar, with threonine, which is neutral and polar, at codon 3890 of the ALMS1 protein (p.Ala3890Thr). This variant is not present in population databases (gnomAD no frequency). This variant has not been reported in the literature in individuals affected with ALMS1-related conditions. Experimental studies and prediction algorithms are not available or were not evaluated, and the functional significance of this variant is currently unknown. In summary, the available evidence is currently insufficient to determine the role of this variant in disease. Therefore, it has been classified as a Variant of Uncertain Significance.